The following is an entry in ClinVar:

ClinVar aggregate classification (germline): Uncertain significance. Review status: criteria provided, multiple submitters, no conflicts (2 of 4 stars). 4 submissions from 4 submitters: Uncertain significance (4). Last evaluated 2024-08-30.

Conditions:
Inborn genetic diseases. Identifiers: MedGen C0950123, MeSH D030342.
Giant axonal neuropathy 1 (GAN1). Also called: GIANT AXONAL NEUROPATHY 1, AUTOSOMAL RECESSIVE; GAN-Related Neurodegeneration. Identifiers: Orphanet 643, MedGen C1850386, MONDO:0009749, OMIM 256850.

Allele frequency attached by ClinVar (database versions not stated): TOPMed 0.00001.
gnomAD v4.1: 167 of 1,613,682 alleles (0.01%); highest among the groups gnomAD compares: Non-Finnish European, 0.013%; no homozygotes.

Submissions (4):

Mayo Clinic Laboratories, Mayo Clinic
Classification: Uncertain significance. Last evaluated: 2024-08-30. Review status: criteria provided, single submitter. Criteria: ACMG Guidelines, 2015. Collection method: clinical testing. Allele origin: germline. Observed: 1 variant allele.
Comment: PP3

Ambry Genetics
Classification: Uncertain significance for Inborn genetic diseases. Last evaluated: 2024-08-10. Review status: criteria provided, single submitter. Criteria: Ambry Variant Classification Scheme 2023. Collection method: clinical testing. Allele origin: germline.

Labcorp Genetics (formerly Invitae), Labcorp
Classification: Uncertain significance for Giant axonal neuropathy 1. Last evaluated: 2022-05-22. Review status: criteria provided, single submitter. Criteria: Invitae Variant Classification Sherloc (09022015). Collection method: clinical testing. Allele origin: germline.
Comment: This sequence change replaces proline, which is neutral and non-polar, with alanine, which is neutral and non-polar, at codon 443 of the GAN protein (p.Pro443Ala). This variant is present in population databases (rs150043237, gnomAD 0.01%). This variant has not been reported in the literature in individuals affected with GAN-related conditions. ClinVar contains an entry for this variant (Variation ID: 579624). Algorithms developed to predict the effect of missense changes on protein structure and function are either unavailable or do not agree on the potential impact of this missense change (SIFT: "Tolerated"; PolyPhen-2: "Probably Damaging"; Align-GVGD: "Class C0"). In summary, the available evidence is currently insufficient to determine the role of this variant in disease. Therefore, it has been classified as a Variant of Uncertain Significance.

GeneDx
Classification: Uncertain significance. Last evaluated: 2021-02-03. Review status: criteria provided, single submitter. Criteria: GeneDx Variant Classification Process June 2021. Collection method: clinical testing. Allele origin: germline. Affected: yes.
Comment: Not observed at a significant frequency in large population cohorts (Lek et al., 2016); Missense variants in this gene are often considered pathogenic (Stenson et al., 2014); Has not been previously published as pathogenic or benign to our knowledge

NM_022041.4(GAN):c.1327C>G (p.Pro443Ala)

Gene: GAN (gigaxonin; plus strand). Cytogenetic location: 16q23.2.
Variant type: single nucleotide variant.
Coding change: c.1327C>G on transcript NM_022041.4 (MANE Select); coding-DNA position 1327, C replaced by G.
Protein change: p.Pro443Ala; replaces proline 443 with alanine.
Molecular consequence: missense variant.
Genome position (GRCh38, 1-based): chr16:81,365,064, C>G. VCF-style: chr16-81365064-C-G. GRCh37 (hg19) VCF-style: chr16-81398669-C-G.
Other names: p.Pro443Ala; c.688C>G, p.Pro230Ala (NM_001377486.1); short protein forms P443A, P230A.
Identifiers: ClinVar variation 579624 (VCV000579624.11), dbSNP rs150043237, ClinGen allele CA8191704.